The following is an entry in ClinVar:

ClinVar aggregate classification (germline): Likely benign. Review status: criteria provided, multiple submitters, no conflicts (2 of 4 stars). 2 submissions from 2 submitters: Likely benign (2). Last evaluated 2023-08-01.

Allele frequency attached by ClinVar (database versions not stated): 1000 Genomes Project 0.00080; 1000 Genomes Project 30x 0.00094; gnomAD 0.00146; ExAC 0.00193; TOPMed 0.00261; ESP Exome Variant Server 0.00300.
gnomAD v4.1: 4,927 of 1,613,118 alleles (0.31%); highest among the groups gnomAD compares: Non-Finnish European, 0.39%; 16 homozygotes.

Submissions (2):

CeGaT Center for Human Genetics Tuebingen
Classification: Likely benign. Last evaluated: 2023-08-01. Review status: criteria provided, single submitter. Criteria: CeGaT Center For Human Genetics Tuebingen Variant Classification Criteria Version 2. Collection method: clinical testing. Allele origin: germline. Affected: yes. Observed: 1 variant allele.
Comment: PER2: BP4, BS2

Labcorp Genetics (formerly Invitae), Labcorp
Classification: Likely benign. Last evaluated: 2019-12-31. Review status: criteria provided, single submitter. Criteria: Invitae Variant Classification Sherloc (09022015). Collection method: clinical testing. Allele origin: germline.

NM_022817.3(PER2):c.1426C>A (p.His476Asn)

Gene: PER2 (period circadian regulator 2; minus strand). Cytogenetic location: 2q37.3.
Variant type: single nucleotide variant.
Coding change: c.1426C>A on transcript NM_022817.3 (MANE Select); coding-DNA position 1426, C replaced by A.
Protein change: p.His476Asn; replaces histidine 476 with asparagine.
Molecular consequence: missense variant.
Genome position (GRCh38, 1-based): chr2:238,260,944, G>T on the plus strand (C>A on the coding strand, the complement: PER2 is on the minus strand). VCF-style: chr2-238260944-G-T. GRCh37 (hg19) VCF-style: chr2-239169585-G-T.
Other names: short protein forms H476N.
Identifiers: ClinVar variation 718810 (VCV000718810.28), dbSNP rs80156481, ClinGen allele CA2197418.